The following is an entry in ClinVar:

ClinVar aggregate classification (germline): Likely pathogenic (1 of 4 stars; one submission).

Conditions:
Fanconi anemia (FA). Also called: Fanconi's anemia. Identifiers: Orphanet 84, MedGen C0015625, MeSH D005199, MONDO:0019391.

Allele frequency attached by ClinVar (database versions not stated): gnomAD exomes below 0.00001; ExAC 0.00002.
gnomAD v4.1: 4 of 1,598,518 alleles (0.00025%); highest among the groups gnomAD compares: African/African-American, 0.0027%; no homozygotes.

Submission:

Labcorp Genetics (formerly Invitae), Labcorp
Classification: Likely pathogenic for Fanconi anemia. Last evaluated: 2022-10-11. Review status: criteria provided, single submitter. Criteria: Invitae Variant Classification Sherloc (09022015). Collection method: clinical testing. Allele origin: germline.
Comment: This variant is present in population databases (rs748688174, gnomAD 0.006%). In summary, the currently available evidence indicates that the variant is pathogenic, but additional data are needed to prove that conclusively. Therefore, this variant has been classified as Likely Pathogenic. Algorithms developed to predict the effect of sequence changes on RNA splicing suggest that this variant may disrupt the consensus splice site. This variant has not been reported in the literature in individuals affected with FANCD2-related conditions. This sequence change affects a donor splice site in intron 18 of the FANCD2 gene. It is expected to disrupt RNA splicing. Variants that disrupt the donor or acceptor splice site typically lead to a loss of protein function (PMID: 16199547), and loss-of-function variants in FANCD2 are known to be pathogenic (PMID: 17436244).

Literature cited by the submitters: PubMed 16199547; PubMed 17436244.

NM_001018115.3(FANCD2):c.1656+1G>A

Genes: FANCD2 (FA complementation group D2; plus strand), LOC107303338 (3p25 FANCD2 Alu-mediated recombination region; plus strand). Cytogenetic location: 3p25.3.
Variant type: single nucleotide variant.
Coding change: c.1656+1G>A on transcript NM_001018115.3 (MANE Select); the canonical splice donor site of the intron after coding-DNA position 1656, G replaced by A.
Molecular consequence: splice donor variant. On other transcripts: intron variant (1).
Genome position (GRCh38, 1-based): chr3:10,052,498, G>A. VCF-style: chr3-10052498-G-A. GRCh37 (hg19) VCF-style: chr3-10094182-G-A.
Other names: c.1656+1G>A (NM_001319984.2, NM_033084.6, NM_001374254.1); c.1545+2993G>A (NM_001374253.1).
Identifiers: ClinVar variation 2138815 (VCV002138815.4), dbSNP rs748688174, ClinGen allele CA2249734.
Genomic context (GRCh38, chr3:10,052,498, plus strand): 5'-TTCTATGTTCTCAGCACACTGGCATTTAGCAAACAGAATGAAGCCAGCAGCCACATCCAG[G>A]TAAGAGGCAATATGTTGGGAAAGATTTTTTTTTTTTTGAGACAGAGTCTAGCTCTGTCTC-3'